The following is an entry in ClinVar:

NM_001370658.1(BTD):c.1092dup (p.Lys365fs)

Gene: BTD (biotinidase; plus strand). Cytogenetic location: 3p25.1.
Variant type: Duplication.
Coding change: c.1092dup on transcript NM_001370658.1 (MANE Select); coding-DNA position 1092, one base duplicated (C; older notation c.1092dupC).
Protein change: p.Lys365fs; shifts the reading frame from lysine 365.
Molecular consequence: frameshift variant. On other transcripts: intron variant (2).
Genome position (GRCh38, 1-based): chr3:15,645,008, C duplicated; the last of 2 consecutive C bases (chr3:15,645,007-15,645,008); duplicating either gives the same sequence. VCF-style (leftmost placement, unchanged base first): chr3-15645006-A-AC. GRCh37 (hg19) VCF-style: chr3-15686513-A-AC.
Other names: c.1152dup, p.Lys385Glnfs (NM_000060.4); c.1092dup, p.Lys365Glnfs (NM_001281723.4, NM_001281725.3, NM_001323582.2 and 15 more transcripts); c.1092dup, p.Lys365fs (NM_001281724.3); c.1015+77dup (NM_001370752.1); c.399+2951dup (NM_001370753.1); short protein forms K365fs.
Identifiers: ClinVar variation 2012754 (VCV002012754.4), dbSNP rs2471517581, ClinGen allele CA2580068529.

ClinVar aggregate classification (germline): Pathogenic (1 of 4 stars; one submission).

Conditions:
Biotinidase deficiency. Also called: BTD deficiency; Late-onset biotin-responsive multiple carboxylase deficiency; Biotin deficiency. Identifiers: Orphanet 79241, MedGen C0220754, MONDO:0009665, OMIM 253260.

Submission:

Labcorp Genetics (formerly Invitae), Labcorp
Classification: Pathogenic for Biotinidase deficiency. Last evaluated: 2022-06-05. Review status: criteria provided, single submitter. Criteria: Invitae Variant Classification Sherloc (09022015). Collection method: clinical testing. Allele origin: germline.
Comment: This variant has not been reported in the literature in individuals affected with BTD-related conditions. For these reasons, this variant has been classified as Pathogenic. This variant disrupts a region of the BTD protein in which other variant(s) (p.Asp543Glu)) have been determined to be pathogenic (PMID: 25174816, 25967232, 28498829). This suggests that this is a clinically significant region of the protein, and that variants that disrupt it are likely to be disease-causing. This variant is not present in population databases (gnomAD no frequency). This sequence change creates a premature translational stop signal (p.Lys385Glnfs*13) in the BTD gene. While this is not anticipated to result in nonsense mediated decay, it is expected to disrupt the last 159 amino acid(s) of the BTD protein.

Literature cited by the submitters: PubMed 25174816; PubMed 25967232; PubMed 28498829.